The following is an entry in ClinVar:

ClinVar aggregate classification (germline): Benign/Likely benign. Review status: criteria provided, multiple submitters, no conflicts (2 of 4 stars). 3 submissions from 3 submitters: Benign (1); Likely benign (2). Last evaluated 2026-01-12.

Conditions:
Neuronal ceroid lipofuscinosis. Also called: Neuronal Ceroid Lipofuscinoses. Identifiers: Orphanet 216, Orphanet 79263, MedGen C0027877, MONDO:0016295. Disease mechanism: loss of function.

Allele frequency attached by ClinVar (database versions not stated): gnomAD exomes 0.00006 and 0.00011; ExAC 0.00015; 1000 Genomes Project 30x 0.00016; gnomAD 0.00019 and 0.00022; 1000 Genomes Project 0.00020; ESP Exome Variant Server 0.00023; TOPMed 0.00023.

Submissions (3):

Labcorp Genetics (formerly Invitae), Labcorp
Classification: Likely benign for Neuronal ceroid lipofuscinosis. Last evaluated: 2026-01-12. Review status: criteria provided, single submitter. Criteria: Invitae Variant Classification Sherloc (09022015). Collection method: clinical testing. Allele origin: germline.

Blueprint Genetics
Classification: Likely benign. Last evaluated: 2024-06-26. Review status: criteria provided, single submitter. Criteria: ACMG Guidelines, 2015. Collection method: clinical testing. Allele origin: germline.

GeneDx
Classification: Benign. Last evaluated: 2015-09-11. Review status: criteria provided, single submitter. Criteria: GeneDx Variant Classification (06012015). Collection method: clinical testing. Allele origin: germline. Affected: yes.
Comment: This variant is considered likely benign or benign based on one or more of the following criteria: it is a conservative change, it occurs at a poorly conserved position in the protein, it is predicted to be benign by multiple in silico algorithms, and/or has population frequency not consistent with disease.

NM_001909.5(CTSD):c.828-18C>T

Gene: CTSD (cathepsin D; minus strand). Cytogenetic location: 11p15.5.
Variant type: single nucleotide variant.
Coding change: c.828-18C>T on transcript NM_001909.5 (MANE Select); 18 bases into the intron before coding-DNA position 828, C replaced by T.
Molecular consequence: intron variant.
Genome position (GRCh38, 1-based): chr11:1,754,156, G>A on the plus strand (C>T on the coding strand, the complement: CTSD is on the minus strand). VCF-style: chr11-1754156-G-A. GRCh37 (hg19) VCF-style: chr11-1775386-G-A.
Identifiers: ClinVar variation 377760 (VCV000377760.10), dbSNP rs377228580, ClinGen allele CA5814012.